The following is an entry in ClinVar:

ClinVar aggregate classification (germline): Conflicting classifications of pathogenicity. Review status: criteria provided, conflicting classifications (1 of 4 stars). 3 submissions from 3 submitters: Uncertain significance (2); Likely benign (1). Last evaluated 2023-04-18.

Conditions:
Hereditary cancer-predisposing syndrome. Also called: Neoplastic Syndromes, Hereditary; Tumor predisposition; Hereditary neoplastic syndrome; Hereditary Cancer Syndrome. Identifiers: Orphanet 140162, MedGen C0027672, MeSH D009386, MONDO:0015356.
Hereditary breast ovarian cancer syndrome. Also called: Hereditary breast and ovarian cancer syndrome; Hereditary breast and ovarian cancer syndrome (HBOC); BRCA1- and BRCA2-Associated Hereditary Breast and Ovarian Cancer; Hereditary breast and/or ovarian cancer syndrome; Hereditary breast and ovarian cancer; Breast and ovarian cancer. Identifiers: Orphanet 145, MedGen C0677776, MeSH D061325, MONDO:0003582. Disease mechanism: loss of function.

Allele frequency attached by ClinVar (database versions not stated): gnomAD exomes below 0.00001.
gnomAD v4.1: 1 of 1,614,168 alleles (0.000062%); highest among the groups gnomAD compares: Non-Finnish European, 0.000085%; no homozygotes.

Submissions (3):

Labcorp Genetics (formerly Invitae), Labcorp
Classification: Uncertain significance for Hereditary breast ovarian cancer syndrome. Last evaluated: 2023-04-18. Review status: criteria provided, single submitter. Criteria: Invitae Variant Classification Sherloc (09022015). Collection method: clinical testing. Allele origin: germline.
Comment: In summary, the available evidence is currently insufficient to determine the role of this variant in disease. Therefore, it has been classified as a Variant of Uncertain Significance. Advanced modeling of protein sequence and biophysical properties (such as structural, functional, and spatial information, amino acid conservation, physicochemical variation, residue mobility, and thermodynamic stability) has been performed at Invitae for this missense variant, however the output from this modeling did not meet the statistical confidence thresholds required to predict the impact of this variant on BRCA1 protein function. ClinVar contains an entry for this variant (Variation ID: 580309). This variant has not been reported in the literature in individuals affected with BRCA1-related conditions. This variant is not present in population databases (gnomAD no frequency). This sequence change replaces isoleucine, which is neutral and non-polar, with threonine, which is neutral and polar, at codon 379 of the BRCA1 protein (p.Ile379Thr).

University of Washington Department of Laboratory Medicine, University of Washington
Classification: Likely benign for Hereditary cancer-predisposing syndrome. Last evaluated: 2023-03-23. Review status: criteria provided, single submitter. Criteria: Dines et al. (Genet Med. 2020). Collection method: curation. Allele origin: germline.
Comment: Missense variant in a coldspot region where missense variants are very unlikely to be pathogenic (PMID:31911673).

BRCA1 coldspot (exon 11 using historical exon numbering). Reclassification based on statistical prior probability

Ambry Genetics
Classification: Uncertain significance for Hereditary cancer-predisposing syndrome. Last evaluated: 2021-06-15. Review status: criteria provided, single submitter. Criteria: Ambry Variant Classification Scheme 2023. Collection method: clinical testing. Allele origin: germline.
Comment: The p.I379T variant (also known as c.1136T>C), located in coding exon 9 of the BRCA1 gene, results from a T to C substitution at nucleotide position 1136. The isoleucine at codon 379 is replaced by threonine, an amino acid with similar properties. This amino acid position is highly conserved in available vertebrate species. In addition, this alteration is predicted to be deleterious by in silico analysis. Since supporting evidence is limited at this time, the clinical significance of this alteration remains unclear.

NM_007294.4(BRCA1):c.1136T>C (p.Ile379Thr)

Gene: BRCA1 (BRCA1 DNA repair associated; minus strand). Cytogenetic location: 17q21.31.
Variant type: single nucleotide variant.
Coding change: c.1136T>C on transcript NM_007294.4 (MANE Select); coding-DNA position 1136, T replaced by C.
Protein change: p.Ile379Thr; replaces isoleucine 379 with threonine.
Molecular consequence: missense variant. On other transcripts: intron variant (137).
Genome position (GRCh38, 1-based): chr17:43,094,395, A>G on the plus strand (T>C on the coding strand, the complement: BRCA1 is on the minus strand). VCF-style: chr17-43094395-A-G. GRCh37 (hg19) VCF-style: chr17-41246412-A-G.
Other names: c.1136T>C, p.Ile379Thr (NM_001407641.1, NM_001407642.1, NM_001407652.1 and 30 more transcripts); c.1133T>C, p.Ile378Thr (NM_001407644.1, NM_001407645.1, NM_001407587.1 and 22 more transcripts); c.1058T>C, p.Ile353Thr (NM_001407653.1, NM_001407654.1, NM_001407655.1 and 4 more transcripts); c.1127T>C, p.Ile376Thr (NM_001407647.1, NM_001407646.1); c.1010T>C, p.Ile337Thr (NM_001407649.1, NM_001407670.1, NM_001407671.1 and 11 more transcripts); c.1013T>C, p.Ile338Thr (NM_001407648.1, NM_001407664.1, NM_001407665.1 and 19 more transcripts); c.923T>C, p.Ile308Thr (NM_001407571.1, NM_001407853.1, NM_001407894.1 and 9 more transcripts); c.1055T>C, p.Ile352Thr (NM_001407659.1, NM_001407660.1, NM_001407661.1 and 1 more transcripts); and 40 more; short protein forms I379T, I332T, I251T, I267T, I312T, I376T, I83T, I211T.
Identifiers: ClinVar variation 580309 (VCV000580309.17), dbSNP rs1567800757, ClinGen allele CA10599785.